The following is an entry in ClinVar:

ClinVar aggregate classification (germline): Pathogenic (1 of 4 stars; one submission).

Conditions:
Hereditary cancer-predisposing syndrome. Also called: Neoplastic Syndromes, Hereditary; Tumor predisposition; Hereditary Cancer Syndrome; Hereditary neoplastic syndrome. Identifiers: Orphanet 140162, MedGen C0027672, MeSH D009386, MONDO:0015356.

Submission:

Ambry Genetics
Classification: Pathogenic for Hereditary cancer-predisposing syndrome. Last evaluated: 2026-03-31. Review status: criteria provided, single submitter. Criteria: Ambry Variant Classification Scheme 2023. Collection method: clinical testing. Allele origin: germline.
Comment: The c.139delT pathogenic mutation, located in coding exon 3 of the BRCA1 gene, results from a deletion of one nucleotide at nucleotide position 139, causing a translational frameshift with a predicted alternate stop codon (p.C47Afs*3). This variant is considered to be rare based on population cohorts in the Genome Aggregation Database (gnomAD). This alteration is expected to result in loss of function by premature protein truncation or nonsense-mediated mRNA decay. As such, this alteration is interpreted as a disease-causing mutation.

NM_007294.4(BRCA1):c.139del (p.Cys47fs)

Gene: BRCA1 (BRCA1 DNA repair associated; minus strand). Cytogenetic location: 17q21.31.
Variant type: Deletion.
Coding change: c.139del on transcript NM_007294.4 (MANE Select); coding-DNA position 139, one base deleted (T; older notation c.139delT).
Protein change: p.Cys47fs; shifts the reading frame from cysteine 47.
Molecular consequence: frameshift variant. On other transcripts: 5 prime UTR variant (1), non-coding transcript variant (1).
Genome position (GRCh38, 1-based): chr17:43,106,529, A deleted on the plus strand (T on the coding strand, the reverse complement: BRCA1 is on the minus strand); the first of 4 consecutive A bases (chr17:43,106,529-43,106,532); deleting any one gives the same sequence. VCF-style (leftmost placement, unchanged base first): chr17-43106528-CA-C. GRCh37 (hg19) VCF-style: chr17-41258545-CA-C.
Other names: c.-6delT (NM_001407930.1, NM_001407923.1, NM_001407924.1 and 98 more transcripts); c.136delT, p.Cys47Alafs (NM_001407937.1, NM_001407938.1, NM_001407939.1 and 166 more transcripts); c.-53delT (NM_001407946.1, NM_001407947.1, NM_001407948.1 and 58 more transcripts); c.-3del (NM_007297.4); c.139del, p.Cys47fs (NM_007299.4, NM_007300.4); c.139delT (NM_007294.3); short protein forms C47fs.
Identifiers: ClinVar variation 4867704 (VCV004867704.1).